The following is an entry in ClinVar:

ClinVar aggregate classification (germline): Uncertain significance (1 of 4 stars; one submission).

Conditions:
Joubert syndrome 25 (JBTS25). Identifiers: Orphanet 475, MedGen C4084842, MONDO:0014770, OMIM 616781.

Allele frequency attached by ClinVar (database versions not stated): ExAC 0.00005; ESP Exome Variant Server 0.00008; 1000 Genomes Project 30x 0.00016; 1000 Genomes Project 0.00020.
gnomAD v4.1: 29 of 1,614,054 alleles (0.0018%); highest among the groups gnomAD compares: African/African-American, 0.027%; no homozygotes.

Submission:

Labcorp Genetics (formerly Invitae), Labcorp
Classification: Uncertain significance for Joubert syndrome 25. Last evaluated: 2024-06-03. Review status: criteria provided, single submitter. Criteria: Invitae Variant Classification Sherloc (09022015). Collection method: clinical testing. Allele origin: germline.
Comment: This sequence change replaces arginine, which is basic and polar, with glutamine, which is neutral and polar, at codon 166 of the CEP104 protein (p.Arg166Gln). This variant is present in population databases (rs149119607, gnomAD 0.03%). This variant has not been reported in the literature in individuals affected with CEP104-related conditions. ClinVar contains an entry for this variant (Variation ID: 2144741). An algorithm developed to predict the effect of missense changes on protein structure and function (PolyPhen-2) suggests that this variant is likely to be disruptive. In summary, the available evidence is currently insufficient to determine the role of this variant in disease. Therefore, it has been classified as a Variant of Uncertain Significance.

NM_014704.4(CEP104):c.497G>A (p.Arg166Gln)

Gene: CEP104 (centrosomal protein 104; minus strand). Cytogenetic location: 1p36.32.
Variant type: single nucleotide variant.
Coding change: c.497G>A on transcript NM_014704.4 (MANE Select); coding-DNA position 497, G replaced by A.
Protein change: p.Arg166Gln; replaces arginine 166 with glutamine.
Molecular consequence: missense variant.
Genome position (GRCh38, 1-based): chr1:3,844,976, C>T on the plus strand (G>A on the coding strand, the complement: CEP104 is on the minus strand). VCF-style: chr1-3844976-C-T. GRCh37 (hg19) VCF-style: chr1-3761540-C-T.
Other names: short protein forms R166Q.
Identifiers: ClinVar variation 2144741 (VCV002144741.3), dbSNP rs149119607, ClinGen allele CA551942.
Genomic context (GRCh38, chr1:3,844,976, plus strand): 5'-GTTCCTTCTAGAGCAGGGTCCTCGCTGTTGTGCCCAAGGTAGTGGTCAATCAACTTCTCT[C>T]GAGAGGCCTTTGGGGGCAAAACATCTGCTTAGTGTCTCAGAGAGAAAGAGGAACAACACA-3'
Protein context (NP_055519.1, residues 156-176): DFSDESNTAS[Arg166Gln]EKLIDHYLGH